The following is an entry in ClinVar:

NM_017763.6(RNF43):c.927C>T (p.Cys309=)

Gene: RNF43 (ring finger protein 43; minus strand). Cytogenetic location: 17q22.
Variant type: single nucleotide variant.
Coding change: c.927C>T on transcript NM_017763.6 (MANE Select); coding-DNA position 927, C replaced by T.
Protein change: p.Cys309=; no amino-acid change (cysteine 309 retained).
Molecular consequence: synonymous variant.
Genome position (GRCh38, 1-based): chr17:58,360,174, G>A on the plus strand (C>T on the coding strand, the complement: RNF43 is on the minus strand). VCF-style: chr17-58360174-G-A. GRCh37 (hg19) VCF-style: chr17-56437535-G-A.
Other names: c.927C>T, p.Cys309= (NM_001305544.3, NM_001438820.1, NM_001438821.1 and 1 more transcripts); c.546C>T, p.Cys182= (NM_001305545.2, NM_001437987.1).
Identifiers: ClinVar variation 5042434 (VCV005042434.1).

ClinVar aggregate classification (germline): Benign (1 of 4 stars; one submission).

Conditions:
Sessile serrated polyposis cancer syndrome (SSPCS). Identifiers: Orphanet 157798, MedGen C4310714, MONDO:0014919, OMIM 617108.

Submission:

Myriad Genetics, Inc.
Classification: Benign for Sessile serrated polyposis cancer syndrome. Last evaluated: 2026-07-01. Review status: criteria provided, single submitter. Criteria: Myriad Autosomal Dominant, Autosomal Recessive and X-Linked Classification Criteria (2023). Collection method: clinical testing. Allele origin: unknown.
Comment: This variant is considered benign. This variant is a silent/synonymous amino acid change and it is not expected to impact splicing.